The following is an entry in ClinVar:

NM_002397.5(MEF2C):c.64_77del (p.Thr22fs)

Gene: MEF2C (myocyte enhancer factor 2C; minus strand). Cytogenetic location: 5q14.3.
Variant type: Deletion.
Coding change: c.64_77del on transcript NM_002397.5 (MANE Select); coding-DNA positions 64 to 77, 14 bases deleted (ACAAAGAGGAAATT).
Protein change: p.Thr22fs; shifts the reading frame from threonine 22.
Molecular consequence: frameshift variant.
Genome position (GRCh38, 1-based): chr5:88,804,779-88,804,792, AATTTCCTCTTTGT deleted on the plus strand (ACAAAGAGGAAATT on the coding strand, the reverse complement: MEF2C is on the minus strand); deleting any 14 consecutive bases within chr5:88,804,779-88,804,794 gives the same sequence; the c. name uses the placement nearest the transcript's 3' end. VCF-style (leftmost placement, unchanged base first): chr5-88804778-AAATTTCCTCTTTGT-A. GRCh37 (hg19) VCF-style: chr5-88100595-AAATTTCCTCTTTGT-A.
Other names: c.64_77del, p.Thr22fs (NM_001131005.2, NM_001193347.1, NM_001193348.1 and 29 more transcripts); short protein forms T22fs.
Identifiers: ClinVar variation 2606617 (VCV002606617.2), dbSNP rs2531289507, ClinGen allele CA2582341591.

ClinVar aggregate classification (germline): Pathogenic (1 of 4 stars; one submission).

Conditions:
Inborn genetic diseases. Identifiers: MedGen C0950123, MeSH D030342.

Submission:

Ambry Genetics
Classification: Pathogenic for Inborn genetic diseases. Last evaluated: 2023-08-04. Review status: criteria provided, single submitter. Criteria: Ambry Variant Classification Scheme 2023. Collection method: clinical testing. Allele origin: germline.
Comment: The c.64_77del14 (p.T22Wfs*8) alteration, located in exon 3 (coding exon 2) of the MEF2C gene, consists of a deletion of 14 nucleotides from position 64 to 77, causing a translational frameshift with a predicted alternate stop codon after 8 amino acids. This alteration is expected to result in loss of function by premature protein truncation or nonsense-mediated mRNA decay. This variant was not reported in population-based cohorts in the Genome Aggregation Database (gnomAD). Based on the available evidence, this alteration is classified as pathogenic.